The following is an entry in ClinVar:

NM_000213.5(ITGB4):c.2252G>A (p.Arg751Gln)

Gene: ITGB4 (integrin subunit beta 4; plus strand). Cytogenetic location: 17q25.1.
Variant type: single nucleotide variant.
Coding change: c.2252G>A on transcript NM_000213.5 (MANE Select); coding-DNA position 2252, G replaced by A.
Protein change: p.Arg751Gln; replaces arginine 751 with glutamine.
Molecular consequence: missense variant.
Genome position (GRCh38, 1-based): chr17:75,739,703, G>A. VCF-style: chr17-75739703-G-A. GRCh37 (hg19) VCF-style: chr17-73735784-G-A.
Other names: c.2252G>A, p.Arg751Gln (NM_001005619.2, NM_001005731.3, NM_001321123.2); c.2252G>A (NM_001005731.1); short protein forms R751Q.
Identifiers: ClinVar variation 2752026 (VCV002752026.3), dbSNP rs774290507, ClinGen allele CA8769316.
Genomic context (GRCh38, chr17:75,739,703, plus strand): 5'-GCCTCACCCTCACCCACCTTGTCTCCTAGGCCTGCCTGGCACTTCTCCCGTGCTGCAACC[G>A]AGGTATGGGCCTGGCATCGCAGGGGCAGCAGGGGCTCTGACTGCTCTTTCTCTGAGCTGG-3'
Protein context (NP_000204.3, residues 741-761): ACLALLPCCN[Arg751Gln]GHMVGFKEDH

ClinVar aggregate classification (germline): Uncertain significance. Review status: criteria provided, multiple submitters, no conflicts (2 of 4 stars). 2 submissions from 2 submitters: Uncertain significance (2). Last evaluated 2025-12-15.

Conditions:
Inborn genetic diseases. Identifiers: MedGen C0950123, MeSH D030342.

Allele frequency attached by ClinVar (database versions not stated): gnomAD 0.00003.
gnomAD v4.1: 30 of 1,614,118 alleles (0.0019%); highest among the groups gnomAD compares: East Asian, 0.011%; no homozygotes.

Submissions (2):

Ambry Genetics
Classification: Uncertain significance for Inborn genetic diseases. Last evaluated: 2025-12-15. Review status: criteria provided, single submitter. Criteria: Ambry Variant Classification Scheme 2023. Collection method: clinical testing. Allele origin: germline.

Labcorp Genetics (formerly Invitae), Labcorp
Classification: Uncertain significance. Last evaluated: 2023-12-11. Review status: criteria provided, single submitter. Criteria: Invitae Variant Classification Sherloc (09022015). Collection method: clinical testing. Allele origin: germline.
Comment: This sequence change replaces arginine, which is basic and polar, with glutamine, which is neutral and polar, at codon 751 of the ITGB4 protein (p.Arg751Gln). This variant is present in population databases (rs774290507, gnomAD 0.02%). This variant has not been reported in the literature in individuals affected with ITGB4-related conditions. Algorithms developed to predict the effect of missense changes on protein structure and function output the following: SIFT: "Not Available"; PolyPhen-2: "Benign"; Align-GVGD: "Not Available". The glutamine amino acid residue is found in multiple mammalian species, which suggests that this missense change does not adversely affect protein function. In summary, the available evidence is currently insufficient to determine the role of this variant in disease. Therefore, it has been classified as a Variant of Uncertain Significance.